The following is an entry in ClinVar:

NM_000093.5(COL5A1):c.1332+92C>G

Gene: COL5A1 (collagen type V alpha 1 chain; plus strand). Cytogenetic location: 9q34.3.
Variant type: single nucleotide variant.
Coding change: c.1332+92C>G on transcript NM_000093.5 (MANE Select); 92 bases into the intron after coding-DNA position 1332, C replaced by G.
Molecular consequence: intron variant.
Genome position (GRCh38, 1-based): chr9:134,731,755, C>G. VCF-style: chr9-134731755-C-G. GRCh37 (hg19) VCF-style: chr9-137623601-C-G.
Other names: c.1332+92C>G (NM_001278074.1).
Identifiers: ClinVar variation 439524 (VCV000439524.13), dbSNP rs3124310, ClinGen allele CA12975123.

ClinVar aggregate classification (germline): Benign. Review status: criteria provided, multiple submitters, no conflicts (2 of 4 stars). 5 submissions from 4 submitters: Benign (5). Last evaluated 2022-03-15.

Conditions:
Ehlers-Danlos syndrome, classic type, 1 (EDSCL1). Also called: EHLERS-DANLOS SYNDROME, GRAVIS TYPE; EHLERS-DANLOS SYNDROME, SEVERE CLASSIC TYPE; EDS I; Ehlers-Danlos Syndrome, Classic Type, COL5A1-Related; Ehlers-Danlos syndrome, type 1. Identifiers: MedGen C0268335, MONDO:0019567, OMIM 130000.
Fibromuscular dysplasia, multifocal. Identifiers: MedGen C5543412, MONDO:0859151, OMIM 619329.
Ehlers-Danlos syndrome, classic type (cEDS). Identifiers: Orphanet 287, MedGen C4225429, MONDO:0007522.

Allele frequency attached by ClinVar (database versions not stated): 1000 Genomes Project 0.70807; TOPMed 0.65434; 1000 Genomes Project 30x 0.70191; gnomAD 0.64521 and 0.65636; gnomAD exomes 0.72221.
gnomAD v4.1: 999,317 of 1,397,098 alleles (72%); highest among the groups gnomAD compares: East Asian, 91%; 362,246 homozygotes.

Submissions (5):

Genome-Nilou Lab
Classification: Benign for Ehlers-Danlos syndrome, classic type, 1. Last evaluated: 2022-03-15. Review status: criteria provided, single submitter. Criteria: ACMG Guidelines, 2015. Collection method: clinical testing. Allele origin: germline. Affected: no.

Genome-Nilou Lab
Classification: Benign for Fibromuscular dysplasia, multifocal. Last evaluated: 2022-03-15. Review status: criteria provided, single submitter. Criteria: ACMG Guidelines, 2015. Collection method: clinical testing. Allele origin: germline. Affected: no.

ARUP Laboratories, Molecular Genetics and Genomics, ARUP Laboratories
Classification: Benign for Ehlers-Danlos syndrome, classic type, 1. Last evaluated: 2018-07-03. Review status: criteria provided, single submitter. Criteria: ARUP Molecular Germline Variant Investigation Process. Collection method: clinical testing. Allele origin: germline.

GeneDx
Classification: Benign. Last evaluated: 2018-06-14. Review status: criteria provided, single submitter. Criteria: GeneDx Variant Classification (06012015). Collection method: clinical testing. Allele origin: germline. Affected: yes.
Comment: This variant is considered likely benign or benign based on one or more of the following criteria: it is a conservative change, it occurs at a poorly conserved position in the protein, it is predicted to be benign by multiple in silico algorithms, and/or has population frequency not consistent with disease.

Breakthrough Genomics
Classification: Benign. Review status: criteria provided, single submitter. Criteria: ACMG Guidelines, 2015. Collection method: not provided. Allele origin: germline. Inheritance: Autosomal dominant inheritance. Affected: yes.